The following is an entry in ClinVar:

NM_013432.5(TONSL):c.442C>A (p.Leu148Met)

Gene: TONSL (tonsoku like, DNA repair protein; minus strand). Cytogenetic location: 8q24.3.
Variant type: single nucleotide variant.
Coding change: c.442C>A on transcript NM_013432.5 (MANE Select); coding-DNA position 442, C replaced by A.
Protein change: p.Leu148Met; replaces leucine 148 with methionine.
Molecular consequence: missense variant.
Genome position (GRCh38, 1-based): chr8:144,443,144, G>T on the plus strand (C>A on the coding strand, the complement: TONSL is on the minus strand). VCF-style: chr8-144443144-G-T. GRCh37 (hg19) VCF-style: chr8-145668527-G-T.
Other names: c.442C>A (NM_013432.4); short protein forms L148M.
Identifiers: ClinVar variation 1521492 (VCV001521492.5), dbSNP rs760476, ClinGen allele CA4943669.

ClinVar aggregate classification (germline): Uncertain significance. Review status: criteria provided, multiple submitters, no conflicts (2 of 4 stars). 2 submissions from 2 submitters: Uncertain significance (2). Last evaluated 2025-06-10.

Conditions:
Inborn genetic diseases. Identifiers: MedGen C0950123, MeSH D030342.

Allele frequency attached by ClinVar (database versions not stated): ExAC 0.00014; gnomAD exomes 0.00006; gnomAD 0.00010 and 0.00011; ESP Exome Variant Server 0.00022; TOPMed 0.00009.
gnomAD v4.1: 144 of 1,550,274 alleles (0.0093%); highest among the groups gnomAD compares: Non-Finnish European, 0.012%; no homozygotes.

Submissions (2):

Ambry Genetics
Classification: Uncertain significance for Inborn genetic diseases. Last evaluated: 2025-06-10. Review status: criteria provided, single submitter. Criteria: Ambry Variant Classification Scheme 2023. Collection method: clinical testing. Allele origin: germline.

Labcorp Genetics (formerly Invitae), Labcorp
Classification: Uncertain significance. Last evaluated: 2022-10-24. Review status: criteria provided, single submitter. Criteria: Invitae Variant Classification Sherloc (09022015). Collection method: clinical testing. Allele origin: germline.
Comment: This sequence change replaces leucine, which is neutral and non-polar, with methionine, which is neutral and non-polar, at codon 148 of the TONSL protein (p.Leu148Met). This variant is present in population databases (rs760476, gnomAD 0.02%). This variant has not been reported in the literature in individuals affected with TONSL-related conditions. ClinVar contains an entry for this variant (Variation ID: 1521492). Advanced modeling of protein sequence and biophysical properties (such as structural, functional, and spatial information, amino acid conservation, physicochemical variation, residue mobility, and thermodynamic stability) performed at Invitae indicates that this missense variant is expected to disrupt TONSL protein function. In summary, the available evidence is currently insufficient to determine the role of this variant in disease. Therefore, it has been classified as a Variant of Uncertain Significance.